The following is an entry in ClinVar:

NM_000138.5(FBN1):c.1955G>A (p.Cys652Tyr)

Gene: FBN1 (fibrillin 1; minus strand). Cytogenetic location: 15q21.1.
Variant type: single nucleotide variant.
Coding change: c.1955G>A on transcript NM_000138.5 (MANE Select); coding-DNA position 1955, G replaced by A.
Protein change: p.Cys652Tyr; replaces cysteine 652 with tyrosine.
Molecular consequence: missense variant.
Genome position (GRCh38, 1-based): chr15:48,505,030, C>T on the plus strand (G>A on the coding strand, the complement: FBN1 is on the minus strand). VCF-style: chr15-48505030-C-T. GRCh37 (hg19) VCF-style: chr15-48797227-C-T.
Other names: short protein forms C652Y.
Identifiers: ClinVar variation 858022 (VCV000858022.14), dbSNP rs2043696418, ClinGen allele CA392338965.

ClinVar aggregate classification (germline): Pathogenic. Review status: criteria provided, multiple submitters, no conflicts (2 of 4 stars). 2 submissions from 2 submitters: Pathogenic (2). Last evaluated 2025-02-10.

Conditions:
Familial thoracic aortic aneurysm and aortic dissection (TAAD). Also called: Thoracic aortic aneurysms and dissections. Identifiers: Orphanet 91387, MedGen C4707243, MONDO:0019625.
Marfan syndrome (MFS). Also called: FBN1-Related Marfan Syndrome; Marfan's syndrome; MARFAN SYNDROME, TYPE I; Marfan syndrome type 1; Marfan syndrome, classic. Identifiers: Orphanet 284963, Orphanet 558, MedGen C0024796, MONDO:0007947, OMIM 154700.

Submissions (2):

Institute of Human Genetics Munich, TUM University Hospital
Classification: Pathogenic for Marfan syndrome. Last evaluated: 2025-02-10. Review status: criteria provided, single submitter. Criteria: Classification criteria August 2017. Collection method: clinical testing. Allele origin: germline. Inheritance: Autosomal dominant inheritance. Affected: yes. Observed: 1 variant allele.

Labcorp Genetics (formerly Invitae), Labcorp
Classification: Pathogenic for Marfan syndrome; Familial thoracic aortic aneurysm and aortic dissection. Last evaluated: 2022-07-06. Review status: criteria provided, single submitter. Criteria: Invitae Variant Classification Sherloc (09022015). Collection method: clinical testing. Allele origin: germline.
Comment: For these reasons, this variant has been classified as Pathogenic. This variant disrupts the p.Cys652 amino acid residue in FBN1. Other variant(s) that disrupt this residue have been observed in individuals with FBN1-related conditions (PMID: 24161884), which suggests that this may be a clinically significant amino acid residue. This variant affects a cysteine residue in the EGF-like, TGFBP or hybrid motif domains of FBN1. Cysteine residues are believed to be involved in intramolecular disulfide bridges and have been shown to be important for FBN1 protein structure (PMID: 16905551, 19349279). In addition, missense substitutions affecting cysteine residues within these domains are significantly overrepresented among patients with Marfan syndrome (PMID: 16571647, 17701892). Advanced modeling of protein sequence and biophysical properties (such as structural, functional, and spatial information, amino acid conservation, physicochemical variation, residue mobility, and thermodynamic stability) performed at Invitae indicates that this missense variant is expected to disrupt FBN1 protein function. ClinVar contains an entry for this variant (Variation ID: 858022). This missense change has been observed in individual(s) with clinical features of Marfan syndrome (PMID: 12446365). It has also been observed to segregate with disease in related individuals. This variant is not present in population databases (gnomAD no frequency). This sequence change replaces cysteine, which is neutral and slightly polar, with tyrosine, which is neutral and polar, at codon 652 of the FBN1 protein (p.Cys652Tyr).

Literature cited by the submitters: PubMed 12446365 (cited by Institute of Human Genetics Munich, TUM University Hospital and Labcorp Genetics (formerly Invitae), Labcorp); PubMed 24161884 (cited by Labcorp Genetics (formerly Invitae), Labcorp); PubMed 16905551 (cited by Labcorp Genetics (formerly Invitae), Labcorp); PubMed 19349279 (cited by Labcorp Genetics (formerly Invitae), Labcorp); PubMed 16571647 (cited by Labcorp Genetics (formerly Invitae), Labcorp); PubMed 17701892 (cited by Labcorp Genetics (formerly Invitae), Labcorp).